The following is an entry in ClinVar:

NM_000362.5(TIMP3):c.596C>T (p.Ala199Val)

Genes: SYN3 (synapsin III; minus strand), TIMP3 (TIMP metallopeptidase inhibitor 3; plus strand). Cytogenetic location: 22q12.3.
Variant type: single nucleotide variant.
Coding change: c.596C>T on transcript NM_000362.5 (MANE Select); coding-DNA position 596, C replaced by T.
Protein change: p.Ala199Val; replaces alanine 199 with valine.
Molecular consequence: missense variant. On other transcripts: intron variant (7).
Genome position (GRCh38, 1-based): chr22:32,859,337, C>T. VCF-style: chr22-32859337-C-T. GRCh37 (hg19) VCF-style: chr22-33255324-C-T.
Other names: c.708+5578G>A (NM_001369909.1, NM_001135774.2, NM_001369910.1); c.711+5578G>A (NM_001369907.1, NM_003490.4, NM_001369908.1 and 1 more transcripts); short protein forms A199V.
Identifiers: ClinVar variation 963240 (VCV000963240.9), dbSNP rs767754232, ClinGen allele CA10202292.

ClinVar aggregate classification (germline): Uncertain significance (1 of 4 stars; one submission).

Allele frequency attached by ClinVar (database versions not stated): gnomAD exomes below 0.00001 and 0.00001; ExAC 0.00001.
gnomAD v4.1: 3 of 1,612,354 alleles (0.00019%); highest among the groups gnomAD compares: Admixed American, 0.0033%; no homozygotes.

Submission:

Labcorp Genetics (formerly Invitae), Labcorp
Classification: Uncertain significance. Last evaluated: 2023-08-17. Review status: criteria provided, single submitter. Criteria: Invitae Variant Classification Sherloc (09022015). Collection method: clinical testing. Allele origin: germline.
Comment: This sequence change replaces alanine, which is neutral and non-polar, with valine, which is neutral and non-polar, at codon 199 of the TIMP3 protein (p.Ala199Val). This variant is present in population databases (rs767754232, gnomAD 0.006%). This variant has not been reported in the literature in individuals affected with TIMP3-related conditions. ClinVar contains an entry for this variant (Variation ID: 963240). An algorithm developed to predict the effect of missense changes on protein structure and function (PolyPhen-2) suggests that this variant is likely to be tolerated. In summary, the available evidence is currently insufficient to determine the role of this variant in disease. Therefore, it has been classified as a Variant of Uncertain Significance.